The following is an entry in ClinVar:

ClinVar aggregate classification (germline): Uncertain significance. Review status: criteria provided, multiple submitters, no conflicts (2 of 4 stars). 3 submissions from 3 submitters: Uncertain significance (3). Last evaluated 2024-03-26.

Conditions:
Diets-Jongmans syndrome. Also called: INTELLECTUAL DEVELOPMENTAL DISORDER WITH DISTINCTIVE FACIAL DYSMORPHISM. Identifiers: MedGen C5394263, MONDO:0030012, OMIM 618846.
Developmental disorder. Identifiers: MedGen C0008073.

Allele frequency attached by ClinVar (database versions not stated): gnomAD exomes below 0.00001.
gnomAD v4.1: 4 of 1,614,148 alleles (0.00025%); highest among the groups gnomAD compares: African/African-American, 0.0013%; no homozygotes.

Submissions (3):

Genomic Medicine Center of Excellence, King Faisal Specialist Hospital and Research Centre
Classification: Uncertain significance for Diets-Jongmans syndrome. Last evaluated: 2024-03-26. Review status: criteria provided, single submitter. Criteria: ACMG Guidelines, 2015. Collection method: clinical testing. Allele origin: germline.

Department of Genetics, Rouen University Hospital, Normandy Center for Genomic and Personalized Medicine
Classification: Uncertain significance for Developmental disorder. Last evaluated: 2023-06-07. Review status: criteria provided, single submitter. Criteria: ACMG Guidelines, 2015. Collection method: clinical testing. Allele origin: paternal. Affected: yes.

CeGaT Center for Human Genetics Tuebingen
Classification: Uncertain significance. Last evaluated: 2022-03-01. Review status: criteria provided, single submitter. Criteria: CeGaT Center For Human Genetics Tuebingen Variant Classification Criteria Version 2. Collection method: clinical testing. Allele origin: germline. Affected: yes. Observed: 1 variant allele.
Comment: KDM3B: PM2, PP2

NM_016604.4(KDM3B):c.5009G>C (p.Gly1670Ala)

Gene: KDM3B (lysine demethylase 3B; plus strand). Cytogenetic location: 5q31.2.
Variant type: single nucleotide variant.
Coding change: c.5009G>C on transcript NM_016604.4 (MANE Select); coding-DNA position 5009, G replaced by C.
Protein change: p.Gly1670Ala; replaces glycine 1670 with alanine.
Molecular consequence: missense variant.
Genome position (GRCh38, 1-based): chr5:138,430,364, G>C. VCF-style: chr5-138430364-G-C. GRCh37 (hg19) VCF-style: chr5-137766053-G-C.
Other names: short protein forms G1670A.
Identifiers: ClinVar variation 1675993 (VCV001675993.36), dbSNP rs1464939653, ClinGen allele CA361097037.
Genomic context (GRCh38, chr5:138,430,364, plus strand): 5'-AAAGTTGGTACCTGGACCAGACCCTCCGTAAGCGACTCTATGAGGAGTATGGCGTGCAAG[G>C]CTGGGCTATTGTGCAGTTCCTAGGTGATGCTGTTTTCATACCTGCTGGAGCCCCACACCA-3'
Protein context (NP_057688.3, residues 1660-1680): KRLYEEYGVQ[Gly1670Ala]WAIVQFLGDA